The following is an entry in ClinVar:

NM_014846.4(WASHC5):c.1875+3A>C

Gene: WASHC5 (WASH complex subunit 5; minus strand). Cytogenetic location: 8q24.13.
Variant type: single nucleotide variant.
Coding change: c.1875+3A>C on transcript NM_014846.4 (MANE Select); 3 bases into the intron after coding-DNA position 1875, A replaced by C.
Molecular consequence: intron variant.
Genome position (GRCh38, 1-based): chr8:125,057,553, T>G on the plus strand (A>C on the coding strand, the complement: WASHC5 is on the minus strand). VCF-style: chr8-125057553-T-G. GRCh37 (hg19) VCF-style: chr8-126069795-T-G.
Other names: c.1431+3A>C (NM_001330609.2).
Identifiers: ClinVar variation 3755912 (VCV003755912.2).

ClinVar aggregate classification (germline): Uncertain significance (1 of 4 stars; one submission).

Conditions:
Ritscher-Schinzel syndrome. Also called: CRANIOCEREBELLOCARDIAC DYSPLASIA. Identifiers: Orphanet 7, MedGen C0796137, MONDO:0019078.
Hereditary spastic paraplegia 8 (SPG8). Also called: SPASTIC PARAPLEGIA 8, AUTOSOMAL DOMINANT. Identifiers: Orphanet 100989, MedGen C1863704, MONDO:0011339, OMIM 603563.

Submission:

Labcorp Genetics (formerly Invitae), Labcorp
Classification: Uncertain significance for Ritscher-Schinzel syndrome; Hereditary spastic paraplegia 8. Last evaluated: 2024-08-31. Review status: criteria provided, single submitter. Criteria: Invitae Variant Classification Sherloc (09022015). Collection method: clinical testing. Allele origin: germline.
Comment: This sequence change falls in intron 15 of the WASHC5 gene. It does not directly change the encoded amino acid sequence of the WASHC5 protein. It affects a nucleotide within the consensus splice site. This variant is not present in population databases (gnomAD no frequency). This variant has not been reported in the literature in individuals affected with WASHC5-related conditions. Variants that disrupt the consensus splice site are a relatively common cause of aberrant splicing (PMID: 17576681, 9536098). Algorithms developed to predict the effect of sequence changes on RNA splicing suggest that this variant may disrupt the consensus splice site. In summary, the available evidence is currently insufficient to determine the role of this variant in disease. Therefore, it has been classified as a Variant of Uncertain Significance.

Literature cited by the submitters: PubMed 17576681; PubMed 9536098.